The following is an entry in ClinVar:

NM_001376.5(DYNC1H1):c.11841G>T (p.Leu3947Phe)

Gene: DYNC1H1 (dynein cytoplasmic 1 heavy chain 1; plus strand). Cytogenetic location: 14q32.31.
Variant type: single nucleotide variant.
Coding change: c.11841G>T on transcript NM_001376.5 (MANE Select); coding-DNA position 11841, G replaced by T.
Protein change: p.Leu3947Phe; replaces leucine 3947 with phenylalanine.
Molecular consequence: missense variant.
Genome position (GRCh38, 1-based): chr14:102,040,386, G>T. VCF-style: chr14-102040386-G-T. GRCh37 (hg19) VCF-style: chr14-102506723-G-T.
Other names: short protein forms L3947F.
Identifiers: ClinVar variation 4281907 (VCV004281907.1).

ClinVar aggregate classification (germline): Uncertain significance (1 of 4 stars; one submission).

Submission:

GeneDx
Classification: Uncertain significance. Last evaluated: 2025-04-15. Review status: criteria provided, single submitter. Criteria: GeneDx Variant Classification Process June 2021. Collection method: clinical testing. Allele origin: germline. Affected: yes.
Comment: Not observed at significant frequency in large population cohorts (gnomAD); In silico analysis supports that this missense variant has a deleterious effect on protein structure/function; Has not been previously published as pathogenic or benign to our knowledge; This variant is associated with the following publications: (PMID: 25512093, 25609763, 26100331)